The following is an entry in ClinVar:

NM_022336.4(EDAR):c.71C>A (p.Ala24Asp)

Genes: EDAR (ectodysplasin A receptor; minus strand), RANBP2 (RAN binding protein 2; plus strand). Cytogenetic location: 2q13.
Variant type: single nucleotide variant.
Coding change: c.71C>A on transcript NM_022336.4 (MANE Select); coding-DNA position 71, C replaced by A.
Protein change: p.Ala24Asp; replaces alanine 24 with aspartic acid.
Molecular consequence: missense variant.
Genome position (GRCh38, 1-based): chr2:108,930,223, G>T on the plus strand (C>A on the coding strand, the complement: EDAR is on the minus strand). VCF-style: chr2-108930223-G-T. GRCh37 (hg19) VCF-style: chr2-109546679-G-T.
Other names: short protein forms A24D.
Identifiers: ClinVar variation 936912 (VCV000936912.13), dbSNP rs1306259287, ClinGen allele CA348116150.

ClinVar aggregate classification (germline): Conflicting classifications of pathogenicity. Review status: criteria provided, conflicting classifications (1 of 4 stars). 3 submissions from 3 submitters: Likely pathogenic (2); Uncertain significance (1). Last evaluated 2025-08-25.

Conditions:
EDAR-related disorder. Also called: EDAR-related condition.
Ectodermal dysplasia 10B, hypohidrotic/hair/tooth type, autosomal recessive. Also called: Ectodermal dysplasia 10B, hypohidrotic/hair/tooth type, autosomal; Ectodermal Dysplasia, Hypohidrotic, Autosomal Recessive. Identifiers: Orphanet 238468, Orphanet 248, MedGen C3887494, MONDO:0009147, OMIM 224900.
Ectodermal dysplasia 10A, hypohidrotic/hair/nail type, autosomal dominant (ECTD10A). Also called: Ectodermal Dysplasia 3, Anhidrotic. Identifiers: Orphanet 1810, Orphanet 238468, MedGen C3888065, MONDO:0007509, OMIM 129490.
Autosomal recessive hypohidrotic ectodermal dysplasia syndrome. Also called: Autosomal recessive hypohidrotic ectodermal dysplasia. Identifiers: Orphanet 248, MedGen C0406702, MONDO:0016619.

Allele frequency attached by ClinVar (database versions not stated): gnomAD exomes below 0.00001; gnomAD 0.00001.
gnomAD v4.1: 5 of 1,613,992 alleles (0.00031%); highest among the groups gnomAD compares: African/African-American, 0.0013%; no homozygotes.

Submissions (3):

Department of Human Genetics, Hannover Medical School
Classification: Likely pathogenic for Ectodermal dysplasia 10B, hypohidrotic/hair/tooth type, autosomal recessive. Last evaluated: 2025-08-25. Review status: criteria provided, single submitter. Criteria: ACMG Guidelines, 2015. Collection method: clinical testing. Allele origin: germline. Affected: yes.
Comment: PS4_Moderate, PM2_Supporting, PM3, PP1_Moderate (PMID: 30974434, 40701644)

Blueprint Genetics
Classification: Likely pathogenic for EDAR-related disorders. Last evaluated: 2024-11-26. Review status: criteria provided, single submitter. Criteria: ACMG Guidelines, 2015. Collection method: clinical testing. Allele origin: germline. Affected: yes. Observed: 4 variant alleles.

Labcorp Genetics (formerly Invitae), Labcorp
Classification: Uncertain significance for Ectodermal dysplasia 10A, hypohidrotic/hair/nail type, autosomal dominant; Autosomal recessive hypohidrotic ectodermal dysplasia syndrome. Last evaluated: 2019-06-26. Review status: criteria provided, single submitter. Criteria: Invitae Variant Classification Sherloc (09022015). Collection method: clinical testing. Allele origin: germline.
Comment: This sequence change replaces alanine with aspartic acid at codon 24 of the EDAR protein (p.Ala24Asp). The alanine residue is highly conserved and there is a moderate physicochemical difference between alanine and aspartic acid. This variant is not present in population databases (ExAC no frequency). Algorithms developed to predict the effect of missense changes on protein structure and function are either unavailable or do not agree on the potential impact of this missense change (SIFT: "Deleterious"; PolyPhen-2: "Benign"; Align-GVGD: "Class C0"). In summary, the available evidence is currently insufficient to determine the role of this variant in disease. Therefore, it has been classified as a Variant of Uncertain Significance.